The following is an entry in ClinVar:

NM_001377299.1(NDUFS2):c.778G>C (p.Glu260Gln)

Gene: NDUFS2 (NADH:ubiquinone oxidoreductase core subunit S2; plus strand). Cytogenetic location: 1q23.3.
Variant type: single nucleotide variant.
Coding change: c.778G>C on transcript NM_001377299.1 (MANE Select); coding-DNA position 778, G replaced by C.
Protein change: p.Glu260Gln; replaces glutamic acid 260 with glutamine.
Molecular consequence: missense variant. On other transcripts: non-coding transcript variant (1).
Genome position (GRCh38, 1-based): chr1:161,210,186, G>C. VCF-style: chr1-161210186-G-C. GRCh37 (hg19) VCF-style: chr1-161179976-G-C.
Other names: c.778G>C, p.Glu260Gln (NM_001166159.2, NM_001377298.1, NM_001377300.1 and 3 more transcripts); short protein forms E260Q.
Identifiers: ClinVar variation 1383736 (VCV001383736.6), dbSNP rs1385964343, ClinGen allele CA343380316.
Genomic context (GRCh38, chr1:161,210,186, plus strand): 5'-CTTATGGATGACATTTATCAGTTTTCTAAGAACTTCTCTCTTCGGCTTGATGAGTTGGAG[G>C]AGGTAAGCTAGGAGTCAATGGGAAAAATCTCTCCCCCACAAGAAGGGCTAGAGAAATACA-3'
Protein context (NP_001364228.1, residues 250-270): NFSLRLDELE[Glu260Gln]LLTNNRIWRN

ClinVar aggregate classification (germline): Uncertain significance (1 of 4 stars; one submission).

Submission:

Labcorp Genetics (formerly Invitae), Labcorp
Classification: Uncertain significance. Last evaluated: 2022-07-19. Review status: criteria provided, single submitter. Criteria: Invitae Variant Classification Sherloc (09022015). Collection method: clinical testing. Allele origin: germline.
Comment: In summary, the available evidence is currently insufficient to determine the role of this variant in disease. Therefore, it has been classified as a Variant of Uncertain Significance. Algorithms developed to predict the effect of missense changes on protein structure and function are either unavailable or do not agree on the potential impact of this missense change (SIFT: "Deleterious"; PolyPhen-2: "Possibly Damaging"; Align-GVGD: "Class C0"). ClinVar contains an entry for this variant (Variation ID: 1383736). This variant has not been reported in the literature in individuals affected with NDUFS2-related conditions. This variant is not present in population databases (gnomAD no frequency). This sequence change replaces glutamic acid, which is acidic and polar, with glutamine, which is neutral and polar, at codon 260 of the NDUFS2 protein (p.Glu260Gln).